The following is an entry in ClinVar:

NM_002905.5(RDH5):c.364C>T (p.Pro122Ser)

Genes: RDH5 (retinol dehydrogenase 5; plus strand), BLOC1S1-RDH5 (BLOC1S1-RDH5 readthrough; plus strand). Cytogenetic location: 12q13.2.
Variant type: single nucleotide variant.
Coding change: c.364C>T on transcript NM_002905.5 (MANE Select); coding-DNA position 364, C replaced by T.
Protein change: p.Pro122Ser; replaces proline 122 with serine.
Molecular consequence: missense variant. On other transcripts: non-coding transcript variant (1).
Genome position (GRCh38, 1-based): chr12:55,721,742, C>T. VCF-style: chr12-55721742-C-T. GRCh37 (hg19) VCF-style: chr12-56115526-C-T.
Other names: c.364C>T, p.Pro122Ser (NM_001199771.3); short protein forms P122S.
Identifiers: ClinVar variation 1715840 (VCV001715840.5), dbSNP rs1172039620, ClinGen allele CA385200673.

ClinVar aggregate classification (germline): Uncertain significance (1 of 4 stars; one submission).

Submission:

Labcorp Genetics (formerly Invitae), Labcorp
Classification: Uncertain significance. Last evaluated: 2022-07-16. Review status: criteria provided, single submitter. Criteria: Invitae Variant Classification Sherloc (09022015). Collection method: clinical testing. Allele origin: germline.
Comment: This sequence change replaces proline, which is neutral and non-polar, with serine, which is neutral and polar, at codon 122 of the RDH5 protein (p.Pro122Ser). This variant is not present in population databases (gnomAD no frequency). This variant has not been reported in the literature in individuals affected with RDH5-related conditions. Algorithms developed to predict the effect of missense changes on protein structure and function (SIFT, PolyPhen-2, Align-GVGD) all suggest that this variant is likely to be tolerated. In summary, the available evidence is currently insufficient to determine the role of this variant in disease. Therefore, it has been classified as a Variant of Uncertain Significance.